The following is an entry in ClinVar:

ClinVar aggregate classification (germline): Uncertain significance (1 of 4 stars; one submission).

Conditions:
Charcot-Marie-Tooth disease type 2. Also called: Charcot-Marie-Tooth type 2. Identifiers: Orphanet 64746, MedGen C0270914, MONDO:0018993.

Submission:

Labcorp Genetics (formerly Invitae), Labcorp
Classification: Uncertain significance for Charcot-Marie-Tooth disease type 2. Last evaluated: 2022-08-30. Review status: criteria provided, single submitter. Criteria: Invitae Variant Classification Sherloc (09022015). Collection method: clinical testing. Allele origin: germline.
Comment: In summary, the available evidence is currently insufficient to determine the role of this variant in disease. Therefore, it has been classified as a Variant of Uncertain Significance. Experimental studies and prediction algorithms are not available or were not evaluated, and the functional significance of this variant is currently unknown. This variant has not been reported in the literature in individuals affected with KIF1B-related conditions. This variant is not present in population databases (gnomAD no frequency). This sequence change creates a premature translational stop signal (p.Lys273*) in the KIF1B gene. It is expected to result in an absent or disrupted protein product. However, the current clinical and genetic evidence is not sufficient to establish whether loss-of-function variants in KIF1B cause disease.

NM_001365951.3(KIF1B):c.817A>T (p.Lys273Ter)

Gene: KIF1B (kinesin family member 1B; plus strand). Cytogenetic location: 1p36.22.
Variant type: single nucleotide variant.
Coding change: c.817A>T on transcript NM_001365951.3 (MANE Select); coding-DNA position 817, A replaced by T.
Protein change: p.Lys273Ter; replaces lysine 273 with a stop codon.
Molecular consequence: nonsense.
Genome position (GRCh38, 1-based): chr1:10,272,259, A>T. VCF-style: chr1-10272259-A-T. GRCh37 (hg19) VCF-style: chr1-10332317-A-T.
Other names: c.817A>T, p.Lys273Ter (NM_001365952.1, NM_001365953.1, NM_015074.3 and 1 more transcripts); short protein forms K273*.
Identifiers: ClinVar variation 2027784 (VCV002027784.4), dbSNP rs2521107123, ClinGen allele CA338331764.
Genomic context (GRCh38, chr1:10,272,259, plus strand): 5'-AGAAATTCTTCATCATTCTTTCATATTTGGTATTTATTTTAGGAAGGAGCAAATATTAAT[A>T]AGTCTCTTACAACTTTGGGCAAAGTCATTTCAGCCTTGGCCGAGGTGGTAAGTTTTATAC-3'